The following is an entry in ClinVar:

NM_032634.4(PIGO):c.3114C>T (p.Leu1038=)

Gene: PIGO (phosphatidylinositol glycan anchor biosynthesis class O; minus strand). Cytogenetic location: 9p13.3.
Variant type: single nucleotide variant.
Coding change: c.3114C>T on transcript NM_032634.4 (MANE Select); coding-DNA position 3114, C replaced by T.
Protein change: p.Leu1038=; no amino-acid change (leucine 1038 retained).
Molecular consequence: synonymous variant.
Genome position (GRCh38, 1-based): chr9:35,089,406, G>A on the plus strand (C>T on the coding strand, the complement: PIGO is on the minus strand). VCF-style: chr9-35089406-G-A. GRCh37 (hg19) VCF-style: chr9-35089403-G-A.
Other names: p.Leu1038=; c.1863C>T, p.Leu621= (NM_001201484.2, NM_152850.4).
Identifiers: ClinVar variation 262097 (VCV000262097.17), dbSNP rs2298314, ClinGen allele CA5040242.

ClinVar aggregate classification (germline): Benign. Review status: criteria provided, multiple submitters, no conflicts (2 of 4 stars). 7 submissions from 7 submitters: Benign (7). Last evaluated 2026-02-03.

Conditions:
Hyperphosphatasia with impaired intellectual development syndrome 2. Also called: Hyperphosphatasia with intellectual disability syndrome 2; GLYCOSYLPHOSPHATIDYLINOSITOL BIOSYNTHESIS DEFECT 6. Identifiers: Orphanet 247262, MedGen C3553637, MONDO:0013882, OMIM 614749.

Allele frequency attached by ClinVar (database versions not stated): ESP Exome Variant Server 0.01899; gnomAD exomes 0.02700 and 0.04688; gnomAD 0.02715 and 0.03162; TOPMed 0.02987; ExAC 0.04503; 1000 Genomes Project 30x 0.07355; 1000 Genomes Project 0.07748.

Submissions (7):

Labcorp Genetics (formerly Invitae), Labcorp
Classification: Benign for Hyperphosphatasia with impaired intellectual development syndrome 2. Last evaluated: 2026-02-03. Review status: criteria provided, single submitter. Criteria: Invitae Variant Classification Sherloc (09022015). Collection method: clinical testing. Allele origin: germline.

Mayo Clinic Laboratories, Mayo Clinic
Classification: Benign. Last evaluated: 2023-03-24. Review status: criteria provided, single submitter. Criteria: ACMG Guidelines, 2015. Collection method: clinical testing. Allele origin: germline. Observed: 39 variant alleles.

Illumina Laboratory Services, Illumina
Classification: Benign for Hyperphosphatasia with impaired intellectual development syndrome 2. Last evaluated: 2018-01-12. Review status: criteria provided, single submitter. Criteria: ICSL Variant Classification Criteria 13 December 2019. Collection method: clinical testing. Allele origin: germline.
Comment: This variant was observed in the ICSL laboratory as part of a predisposition screen in an ostensibly healthy population. It had not been previously curated by ICSL or reported in the Human Gene Mutation Database (HGMD: prior to June 1st, 2018), and was therefore a candidate for classification through an automated scoring system. Utilizing variant allele frequency, disease prevalence and penetrance estimates, and inheritance mode, an automated score was calculated to assess if this variant is too frequent to cause the disease. Based on the score and internal cut-off values, a variant classified as benign is not then subjected to further curation. The score for this variant resulted in a classification of benign for this disease.

Athena Diagnostics
Classification: Benign. Last evaluated: 2017-07-12. Review status: criteria provided, single submitter. Criteria: Athena Diagnostics Criteria. Collection method: clinical testing. Allele origin: germline.

GeneDx
Classification: Benign. Last evaluated: 2016-01-18. Review status: criteria provided, single submitter. Criteria: GeneDx Variant Classification (06012015). Collection method: clinical testing. Allele origin: germline. Affected: yes.
Comment: This variant is considered likely benign or benign based on one or more of the following criteria: it is a conservative change, it occurs at a poorly conserved position in the protein, it is predicted to be benign by multiple in silico algorithms, and/or has population frequency not consistent with disease.

Breakthrough Genomics
Classification: Benign. Review status: criteria provided, single submitter. Criteria: ACMG Guidelines, 2015. Collection method: not provided. Allele origin: germline. Inheritance: Autosomal recessive inheritance. Affected: yes.

PreventionGenetics, part of Exact Sciences
Classification: Benign. Review status: criteria provided, single submitter. Criteria: ACMG Guidelines, 2015. Collection method: clinical testing. Allele origin: germline.